The following is an entry in ClinVar:

NM_001267550.2(TTN):c.5052T>C (p.Tyr1684=)

Gene: TTN (titin; minus strand). Cytogenetic location: 2q31.2.
Variant type: single nucleotide variant.
Coding change: c.5052T>C on transcript NM_001267550.2 (MANE Select); coding-DNA position 5052, T replaced by C.
Protein change: p.Tyr1684=; no amino-acid change (tyrosine 1684 retained).
Molecular consequence: synonymous variant.
Genome position (GRCh38, 1-based): chr2:178,776,812, A>G on the plus strand (T>C on the coding strand, the complement: TTN is on the minus strand). VCF-style: chr2-178776812-A-G. GRCh37 (hg19) VCF-style: chr2-179641539-A-G.
Other names: c.5052T>C, p.Tyr1684= (NM_001256850.1, NM_133379.5, NM_133378.4); c.4914T>C, p.Tyr1638= (NM_003319.4, NM_133432.3, NM_133437.4).
Identifiers: ClinVar variation 166317 (VCV000166317.10), dbSNP rs727503694, ClinGen allele CA179312.
Genomic context (GRCh38, chr2:178,776,812, plus strand): 5'-AAATGGTTTCTGTTGTTTCTCTTTGTCATAGAGATCACCTTCTTCCCATTGCTCTTGGCC[A>G]TATCGCAAATGGAGGGGCTCCAGTTCTGGGGCTGCAATCTCCTTTGCTCTATATGTCCCC-3'
Protein context (NP_001254479.2, residues 1674-1694): APELEPLHLR[Tyr1684=]GQEQWEEGDL

ClinVar aggregate classification (germline): Likely benign. Review status: criteria provided, multiple submitters, no conflicts (2 of 4 stars). 3 submissions from 3 submitters: Likely benign (3). Last evaluated 2023-07-21.

Conditions:
Cardiovascular phenotype. Identifiers: MedGen CN230736.
Dilated cardiomyopathy 1G (CMD1G). Identifiers: Orphanet 154, MedGen C1858763, MONDO:0011400, OMIM 604145.
Autosomal recessive limb-girdle muscular dystrophy type 2J (LGMDR10). Also called: Limb-girdle muscular dystrophy, type 2J; MUSCULAR DYSTROPHY, LIMB-GIRDLE, AUTOSOMAL RECESSIVE 10. Identifiers: Orphanet 140922, MedGen C1837342, MONDO:0012127, OMIM 608807.

Allele frequency attached by ClinVar (database versions not stated): gnomAD exomes below 0.00001; ExAC 0.00001; gnomAD 0.00001; TOPMed 0.00002.
gnomAD v4.1: 2 of 1,614,030 alleles (0.00012%); highest among the groups gnomAD compares: African/African-American, 0.0027%; no homozygotes.

Submissions (3):

Labcorp Genetics (formerly Invitae), Labcorp
Classification: Likely benign for Dilated cardiomyopathy 1G; Autosomal recessive limb-girdle muscular dystrophy type 2J. Last evaluated: 2023-07-21. Review status: criteria provided, single submitter. Criteria: Invitae Variant Classification Sherloc (09022015). Collection method: clinical testing. Allele origin: germline.

Ambry Genetics
Classification: Likely benign for Cardiovascular phenotype. Last evaluated: 2023-06-23. Review status: criteria provided, single submitter. Criteria: Ambry Variant Classification Scheme 2023. Collection method: clinical testing. Allele origin: germline.

Laboratory for Molecular Medicine, Mass General Brigham Personalized Medicine
Classification: Likely benign. Last evaluated: 2014-07-16. Review status: criteria provided, single submitter. Criteria: LMM Criteria. Collection method: clinical testing. Allele origin: germline. Observed: 1 variant allele.
Comment: Tyr1684Tyr in exon 28 of TTN: This variant is not expected to have clinical sign ificance because it does not alter an amino acid residue and is not located with in the splice consensus sequence.